The following is an entry in ClinVar:

ClinVar aggregate classification (germline): Pathogenic. Review status: reviewed by expert panel (3 of 4 stars). 11 submissions from 11 submitters: Pathogenic (1). 10 of the submissions do not count toward it. Last evaluated 2016-09-08.

Conditions:
Hereditary cancer-predisposing syndrome. Also called: Tumor predisposition; Hereditary neoplastic syndrome; Hereditary Cancer Syndrome; Neoplastic Syndromes, Hereditary. Identifiers: Orphanet 140162, MedGen C0027672, MeSH D009386, MONDO:0015356.
Hereditary breast ovarian cancer syndrome. Also called: Hereditary breast and/or ovarian cancer syndrome; Breast and ovarian cancer; Hereditary breast and ovarian cancer syndrome; Hereditary breast and ovarian cancer; Hereditary breast and ovarian cancer syndrome (HBOC); BRCA1- and BRCA2-Associated Hereditary Breast and Ovarian Cancer. Identifiers: Orphanet 145, MedGen C0677776, MeSH D061325, MONDO:0003582. Disease mechanism: loss of function.
Breast-ovarian cancer, familial, susceptibility to, 1 (BROVCA1). Also called: BRCA1 Hereditary Breast and Ovarian Cancer; OVARIAN CANCER, SUSCEPTIBILITY TO. Identifiers: Orphanet 145, MedGen C2676676, MONDO:0011450, OMIM 604370. Disease mechanism: loss of function.

Submissions (11):

Evidence-based Network for the Interpretation of Germline Mutant Alleles (ENIGMA)
Classification: Pathogenic for Breast-ovarian cancer, familial, susceptibility to, 1. Last evaluated: 2016-09-08. Review status: reviewed by expert panel. Criteria: ENIGMA BRCA1/2 Classification Criteria (2015). Collection method: curation. Allele origin: germline.
Comment: Variant allele predicted to encode a truncated non-functional protein.

GeneDx
Classification: Pathogenic. Last evaluated: 2025-10-14. Review status: criteria provided, single submitter. Criteria: GeneDx Variant Classification Process June 2021. Collection method: clinical testing. Allele origin: germline. Affected: yes. Not counted in ClinVar's aggregate classification.
Comment: Frameshift variant predicted to result in protein truncation or nonsense mediated decay in a gene for which loss of function is a known mechanism of disease; Truncating variants in this gene are considered pathogenic by a well-established clinical consortium and/or database; Not observed at significant frequency in large population cohorts (gnomAD); Also known as 1931delA; This variant is associated with the following publications: (PMID: 26681312, 29261187, 29446198, Bahsi2020[case report])

Color Diagnostics, LLC DBA Color Health
Classification: Pathogenic for Hereditary cancer-predisposing syndrome. Last evaluated: 2025-09-10. Review status: criteria provided, single submitter. Criteria: ACMG Guidelines, 2015. Collection method: clinical testing. Allele origin: germline. Not counted in ClinVar's aggregate classification.
Comment: This variant deletes 1 nucleotide in exon 10 of the BRCA1 gene, creating a frameshift and premature translation stop signal. This variant is expected to result in an absent or non-functional protein product. This variant has been observed in one individual affected with breast and colon cancer and another individual affected with fallopian tube cancer (PMID: 29261187, 26681312, 30646163). This variant has not been identified in the general population by the Genome Aggregation Database (gnomAD). Loss of BRCA1 function is a known mechanism of disease. Based on the available evidence, this variant is classified as Pathogenic.

Labcorp Genetics (formerly Invitae), Labcorp
Classification: Pathogenic for Hereditary breast ovarian cancer syndrome. Last evaluated: 2025-06-11. Review status: criteria provided, single submitter. Criteria: Invitae Variant Classification Sherloc (09022015). Collection method: clinical testing. Allele origin: germline. Not counted in ClinVar's aggregate classification.
Comment: This sequence change creates a premature translational stop signal (p.Ala605Hisfs*7) in the BRCA1 gene. It is expected to result in an absent or disrupted protein product. Loss-of-function variants in BRCA1 are known to be pathogenic (PMID: 20104584). This variant is not present in population databases (gnomAD no frequency). This premature translational stop signal has been observed in individual(s) with breast and colon cancer and a personal and/or family history of breast and ovarian cancer (PMID: 26681312, 29446198). ClinVar contains an entry for this variant (Variation ID: 125513). For these reasons, this variant has been classified as Pathogenic.

Women's Health and Genetics/Laboratory Corporation of America, LabCorp
Classification: Pathogenic for Hereditary breast ovarian cancer syndrome. Last evaluated: 2023-12-18. Review status: criteria provided, single submitter. Criteria: LabCorp Variant Classification Summary - May 2015. Collection method: clinical testing. Allele origin: germline. Not counted in ClinVar's aggregate classification.
Comment: Variant summary: BRCA1 c.1812delA (p.Ala605HisfsX7) results in a premature termination codon, predicted to cause a truncation of the encoded protein or absence of the protein due to nonsense mediated decay, which are commonly known mechanisms for disease. The variant was absent in 251050 control chromosomes. c.1812delA has been reported in the literature in individuals affected with a history of Breast and Colon cancer (Susswein_2016). To our knowledge, no experimental evidence demonstrating an impact on protein function has been reported. The following publication have been ascertained in the context of this evaluation (PMID: 26681312). Eight submitters have cited clinical-significance assessments for this variant to ClinVar after 2014. All submitters classified the variant as pathogenic. Based on the evidence outlined above, the variant was classified as pathogenic.

Ambry Genetics
Classification: Pathogenic for Hereditary cancer-predisposing syndrome. Last evaluated: 2023-04-13. Review status: criteria provided, single submitter. Criteria: Ambry Variant Classification Scheme 2023. Collection method: clinical testing. Allele origin: germline. Not counted in ClinVar's aggregate classification.
Comment: The c.1812delA pathogenic mutation, located in coding exon 9 of the BRCA1 gene, results from a deletion of one nucleotide at nucleotide position 1812, causing a translational frameshift with a predicted alternate stop codon (p.A605Hfs*7). This alteration was detected in one individual with breast and colon cancer undergoing clinical hereditary cancer panel testing and in one individual undergoing whole exome sequencing (Susswein LR et al. Genet. Med. 2016 Aug;18(8):823-32; Buchanan AH et al. Genet. Med., 2018 04;20:554-558). Additionally, this alteration was identified in a large, worldwide study of BRCA1/2 mutation positive families (Rebbeck TR et al. Hum. Mutat., 2018 05;39:593-620). In addition to the clinical data presented in the literature, this alteration is expected to result in loss of function by premature protein truncation or nonsense-mediated mRNA decay. As such, this alteration is interpreted as a disease-causing mutation.

Baylor Genetics
Classification: Pathogenic for Breast-ovarian cancer, familial, susceptibility to, 1. Last evaluated: 2022-12-07. Review status: criteria provided, single submitter. Criteria: ACMG Guidelines, 2015. Collection method: clinical testing. Allele origin: unknown. Not counted in ClinVar's aggregate classification.

Quest Diagnostics Nichols Institute San Juan Capistrano
Classification: Pathogenic. Last evaluated: 2018-03-23. Review status: criteria provided, single submitter. Criteria: Quest Diagnostics criteria. Collection method: clinical testing. Allele origin: unknown. Not counted in ClinVar's aggregate classification.
Comment: This frameshift variant causes the premature termination of BRCA1 protein synthesis. In addition, it has been reported in an individual with breast and colon cancer in the published literature (PMID: 26681312 (2015)). Based on the available information, this variant is classified as pathogenic.

Laboratory for Molecular Medicine, Mass General Brigham Personalized Medicine
Classification: Pathogenic for Hereditary breast ovarian cancer syndrome. Last evaluated: 2016-02-08. Review status: criteria provided, single submitter. Criteria: LMM Criteria. Collection method: clinical testing. Allele origin: germline. Inheritance: Autosomal dominant inheritance. Observed: 1 variant allele. Not counted in ClinVar's aggregate classification.
Comment: The p.Ala605fs variant in BRCA1 has been reported in 1 individual with breast an d colon cancer (Susswein 2015). It was absent from large population studies, tho ugh the ability of these studies to accurately detect indels may be limited. Thi s variant is predicted to cause a frameshift, which alters the protein?s amino a cid sequence beginning at position 605 and leads to a premature termination codo n 7 amino acids downstream. This alteration is then predicted to lead to a trunc ated or absent protein. Heterozygous loss of function of the BRCA1 gene is an es tablished disease mechanism for hereditary breast and ovarian cancer (HBOC). In summary, this variant meets our criteria to be classified as pathogenic for auto somal dominant HBOC.

Consortium of Investigators of Modifiers of BRCA1/2 (CIMBA), c/o University of Cambridge
Classification: Pathogenic for Breast-ovarian cancer, familial, susceptibility to, 1. Last evaluated: 2015-10-02. Review status: criteria provided, single submitter. Criteria: CIMBA Mutation Classification guidelines May 2016. Collection method: clinical testing. Allele origin: germline. Not counted in ClinVar's aggregate classification.

Breast Cancer Information Core (BIC) (BRCA1)
Classification: Pathogenic for Breast-ovarian cancer, familial 1. Last evaluated: 2001-10-29. Review status: no assertion criteria provided. Collection method: clinical testing. Allele origin: germline. Affected: yes. Observed: 1 variant allele. Not counted in ClinVar's aggregate classification.

Literature cited by the submitters: PubMed 26681312 (cited by 6 submitters); PubMed 29261187 (cited by Color Diagnostics, LLC DBA Color Health and Ambry Genetics); PubMed 30646163 (cited by Color Diagnostics, LLC DBA Color Health and Ambry Genetics); PubMed 20104584 (cited by Labcorp Genetics (formerly Invitae), Labcorp); PubMed 29446198 (cited by Labcorp Genetics (formerly Invitae), Labcorp and Ambry Genetics).

NM_007294.4(BRCA1):c.1812del (p.Ala605fs)

Gene: BRCA1 (BRCA1 DNA repair associated; minus strand). Cytogenetic location: 17q21.31.
Variant type: Deletion.
Coding change: c.1812del on transcript NM_007294.4 (MANE Select); coding-DNA position 1812, one base deleted (A; older notation c.1812delA).
Protein change: p.Ala605fs; shifts the reading frame from alanine 605.
Molecular consequence: frameshift variant. On other transcripts: intron variant (137).
Genome position (GRCh38, 1-based): chr17:43,093,719, T deleted on the plus strand (A on the coding strand, the reverse complement: BRCA1 is on the minus strand); the first of 4 consecutive T bases (chr17:43,093,719-43,093,722); deleting any one gives the same sequence. VCF-style (leftmost placement, unchanged base first): chr17-43093718-CT-C. GRCh37 (hg19) VCF-style: chr17-41245735-CT-C.
Other names: 1931delA; c.1812delA (NM_007294.3); c.1731del, p.Ala578fs (NM_001407660.1, NM_001407661.1, NM_001407662.1 and 1 more transcripts); c.1734del, p.Ala579fs (NM_001407663.1, NM_001407653.1, NM_001407654.1 and 4 more transcripts); c.1689del, p.Ala564fs (NM_001407664.1, NM_001407665.1, NM_001407666.1 and 19 more transcripts); c.1686del, p.Ala563fs (NM_001407670.1, NM_001407671.1, NM_001407672.1 and 11 more transcripts); c.1812del, p.Ala605fs (NM_001407684.1, NM_001407854.1, NM_001407858.1 and 30 more transcripts); c.1671del, p.Ala558fs (NM_001407692.1, NM_001407694.1, NM_001407695.1 and 29 more transcripts); and 42 more; short protein forms A605fs, A558fs, A477fs, A494fs, A535fs, A563fs, A602fs, A309fs.
Identifiers: ClinVar variation 125513 (VCV000125513.29), dbSNP rs80357927, ClinGen allele CA001175.